The following is an entry in ClinVar:

NM_003458.4(BSN):c.8624_8629delinsTATGGGTA (p.Gly2875fs)

Gene: BSN (bassoon presynaptic cytomatrix protein; plus strand). Cytogenetic location: 3p21.31.
Variant type: Indel.
Coding change: c.8624_8629delinsTATGGGTA on transcript NM_003458.4 (MANE Select); coding-DNA positions 8624 to 8629, GGGGAC replaced by TATGGGTA.
Protein change: p.Gly2875fs; shifts the reading frame from glycine 2875.
Molecular consequence: frameshift variant.
Genome position (GRCh38, 1-based): chr3:49,658,180-49,658,185, GGGGAC replaced by TATGGGTA. VCF-style: chr3-49658180-GGGGAC-TATGGGTA. GRCh37 (hg19) VCF-style: chr3-49695613-GGGGAC-TATGGGTA.
Other names: short protein forms G2875fs.
Identifiers: ClinVar variation 3900264 (VCV003900264.1).
Genomic context (GRCh38, chr3:49,658,180, plus strand): 5'-CCCTCAGCCCCACCGCCGAAGAGTCTGCCAAAGAGAGATTCTCCCTCTACCAGCACCAGG[GGGGAC>TATGGGTA]TGGGTAGCCAGGTATGGGAACAGGGGCTGTTCCAGGGTGGGACAGGGGTCTCTGCCTAGC-3'

ClinVar aggregate classification (germline): Uncertain significance (1 of 4 stars; one submission).

Submission:

GeneDx
Classification: Uncertain significance. Last evaluated: 2022-06-10. Review status: criteria provided, single submitter. Criteria: GeneDx Variant Classification Process June 2021. Collection method: clinical testing. Allele origin: germline. Affected: yes.
Comment: Not observed at significant frequency in large population cohorts (gnomAD); Frameshift variant predicted to result in protein truncation or nonsense-mediated decay in a gene or region of a gene for which loss of function is not a well-established mechanism of disease; Has not been previously published as pathogenic or benign to our knowledge; Variants in candidate genes are classified as variants of uncertain significance in accordance with ACMG guidelines (Richards et al., 2015)